The following is an entry in ClinVar:

NM_001377530.1(DMBT1):c.6180T>A (p.Arg2060=)

Gene: DMBT1 (deleted in malignant brain tumors 1; plus strand). Cytogenetic location: 10q26.13.
Variant type: single nucleotide variant.
Coding change: c.6180T>A on transcript NM_001377530.1 (MANE Select); coding-DNA position 6180, T replaced by A.
Protein change: p.Arg2060=; no amino-acid change (arginine 2060 retained).
Molecular consequence: synonymous variant.
Genome position (GRCh38, 1-based): chr10:122,631,115, T>A. VCF-style: chr10-122631115-T-A. GRCh37 (hg19) VCF-style: chr10-124390631-T-A.
Other names: c.5793T>A, p.Arg1931= (NM_001320644.2, NM_007329.3); c.3909T>A, p.Arg1303= (NM_004406.3); c.5763T>A, p.Arg1921= (NM_017579.3).
Identifiers: ClinVar variation 3044693 (VCV003044693.2), dbSNP rs551305593, ClinGen allele CA5728167.

ClinVar aggregate classification (germline): Likely benign (0 of 4 stars; one submission).

Conditions:
DMBT1-related disorder. Also called: DMBT1-related condition.

Allele frequency attached by ClinVar (database versions not stated): TOPMed 0.00001; gnomAD 0.00013; gnomAD exomes 0.00024; 1000 Genomes Project 30x 0.00031; 1000 Genomes Project 0.00040; ExAC 0.00056.
gnomAD v4.1: 375 of 1,614,008 alleles (0.023%); highest among the groups gnomAD compares: South Asian, 0.39%; 3 homozygotes.

Submission:

PreventionGenetics, part of Exact Sciences
Classification: Likely benign for DMBT1-related condition. Last evaluated: 2019-06-07. Review status: no assertion criteria provided. Collection method: clinical testing. Allele origin: germline.
Comment: This variant is classified as likely benign based on ACMG/AMP sequence variant interpretation guidelines (Richards et al. 2015 PMID: 25741868, with internal and published modifications).